The following is an entry in ClinVar:

NM_000051.4(ATM):c.5919-7_5919-6insCTGT

Genes: ATM (ATM serine/threonine kinase; plus strand), C11orf65 (chromosome 11 open reading frame 65; minus strand). Cytogenetic location: 11q22.3.
Variant type: Insertion.
Coding change: c.5919-7_5919-6insCTGT on transcript NM_000051.4 (MANE Select); 7 bases into the intron before coding-DNA position 5919 through 6 bases into the intron before coding-DNA position 5919, CTGT inserted.
Molecular consequence: intron variant.
Genome position: GRCh38 VCF-style: chr11-108312404-C-CCTGT. GRCh37 (hg19) VCF-style: chr11-108183131-C-CCTGT.
Other names: c.5919-7_5919-6insCTGT (NM_001351834.2); c.641-3334_641-3333insACAG (NM_001330368.2); c.*39-3334_*39-3333insACAG (NM_001351110.2).
Identifiers: ClinVar variation 1573287 (VCV001573287.9), dbSNP rs1239985928, ClinGen allele CA601724122.

ClinVar aggregate classification (germline): Likely benign. Review status: criteria provided, multiple submitters, no conflicts (2 of 4 stars). 2 submissions from 2 submitters: Likely benign (2). Last evaluated 2024-05-28.

Conditions:
Ataxia-telangiectasia syndrome (AT). Also called: LOUIS-BAR SYNDROME; Cerebello-oculocutaneous telangiectasia; Immunodeficiency with ataxia telangiectasia; Ataxia telangiectasia (A-T); Ataxia-telangiectasia, complementation group D; AT, COMPLEMENTATION GROUP C. Identifiers: Orphanet 100, MedGen C0004135, MONDO:0008840, OMIM 208900.
Familial cancer of breast. Also called: BREAST CANCER, FAMILIAL; Hereditary breast cancer; hereditary breast carcinoma. Identifiers: Orphanet 227535, MedGen C0346153, MONDO:0016419, OMIM 114480. Disease mechanism: loss of function.

Allele frequency attached by ClinVar (database versions not stated): gnomAD exomes below 0.00001.

Submissions (2):

Myriad Genetics, Inc.
Classification: Likely benign for Familial cancer of breast. Last evaluated: 2024-05-28. Review status: criteria provided, single submitter. Criteria: Myriad Autosomal Dominant, Autosomal Recessive and X-Linked Classification Criteria (2023). Collection method: clinical testing. Allele origin: unknown.
Comment: This variant is considered likely benign. This variant is intronic and is not expected to impact mRNA splicing.

Labcorp Genetics (formerly Invitae), Labcorp
Classification: Likely benign for Ataxia-telangiectasia syndrome. Last evaluated: 2022-06-09. Review status: criteria provided, single submitter. Criteria: Invitae Variant Classification Sherloc (09022015). Collection method: clinical testing. Allele origin: germline.